The following is an entry in ClinVar:

ClinVar aggregate classification (germline): Uncertain significance (1 of 4 stars; one submission).

Conditions:
Familial thoracic aortic aneurysm and aortic dissection (TAAD). Also called: Thoracic aortic aneurysms and dissections. Identifiers: Orphanet 91387, MedGen C4707243, MONDO:0019625.

Submission:

Ambry Genetics
Classification: Uncertain significance for Familial thoracic aortic aneurysm and aortic dissection. Last evaluated: 2024-04-26. Review status: criteria provided, single submitter. Criteria: Ambry Variant Classification Scheme 2023. Collection method: clinical testing. Allele origin: germline.
Comment: The p.E1033D variant (also known as c.3099G>C), located in coding exon 15 of the MYLK gene, results from a G to C substitution at nucleotide position 3099. The glutamic acid at codon 1033 is replaced by aspartic acid, an amino acid with highly similar properties. This amino acid position is conserved. In addition, this alteration is predicted to be tolerated by in silico analysis. Based on the available evidence, the clinical significance of this variant remains unclear.

NM_053025.4(MYLK):c.3099G>C (p.Glu1033Asp)

Gene: MYLK (myosin light chain kinase; minus strand). Cytogenetic location: 3q21.1.
Variant type: single nucleotide variant.
Coding change: c.3099G>C on transcript NM_053025.4 (MANE Select); coding-DNA position 3099, G replaced by C.
Protein change: p.Glu1033Asp; replaces glutamic acid 1033 with aspartic acid.
Molecular consequence: missense variant.
Genome position (GRCh38, 1-based): chr3:123,700,369, C>G on the plus strand (G>C on the coding strand, the complement: MYLK is on the minus strand). VCF-style: chr3-123700369-C-G. GRCh37 (hg19) VCF-style: chr3-123419216-C-G.
Other names: c.2571G>C, p.Glu857Asp (NM_001321309.2); c.2892G>C, p.Glu964Asp (NM_053026.4, NM_053028.4); c.3099G>C, p.Glu1033Asp (NM_053027.4); short protein forms E964D, E857D, E1033D.
Identifiers: ClinVar variation 3297602 (VCV003297602.1).